The following is an entry in ClinVar:

NM_000214.3(JAG1):c.3653T>A (p.Val1218Glu)

Gene: JAG1 (jagged canonical Notch ligand 1; minus strand). Cytogenetic location: 20p12.2.
Variant type: single nucleotide variant.
Coding change: c.3653T>A on transcript NM_000214.3 (MANE Select); coding-DNA position 3653, T replaced by A.
Protein change: p.Val1218Glu; replaces valine 1218 with glutamic acid.
Molecular consequence: missense variant.
Genome position (GRCh38, 1-based): chr20:10,639,502, A>T on the plus strand (T>A on the coding strand, the complement: JAG1 is on the minus strand). VCF-style: chr20-10639502-A-T. GRCh37 (hg19) VCF-style: chr20-10620150-A-T.
Other names: short protein forms V1218E.
Identifiers: ClinVar variation 1733617 (VCV001733617.2), dbSNP rs1342147795, ClinGen allele CA408242202.

ClinVar aggregate classification (germline): Uncertain significance (1 of 4 stars; one submission).

Conditions:
Cardiovascular phenotype. Identifiers: MedGen CN230736.

Allele frequency attached by ClinVar (database versions not stated): gnomAD exomes below 0.00001; TOPMed below 0.00001; gnomAD 0.00001.
gnomAD v4.1: 2 of 1,613,918 alleles (0.00012%); highest among the groups gnomAD compares: African/African-American, 0.0027%; no homozygotes.

Submission:

Ambry Genetics
Classification: Uncertain significance for Cardiovascular phenotype. Last evaluated: 2022-02-17. Review status: criteria provided, single submitter. Criteria: Ambry Variant Classification Scheme 2023. Collection method: clinical testing. Allele origin: germline.
Comment: The p.V1218E variant (also known as c.3653T>A), located in coding exon 26 of the JAG1 gene, results from a T to A substitution at nucleotide position 3653. The valine at codon 1218 is replaced by glutamic acid, an amino acid with dissimilar properties. This amino acid position is conserved. In addition, this alteration is predicted to be deleterious by in silico analysis. Since supporting evidence is limited at this time, the clinical significance of this alteration remains unclear.